The following is an entry in ClinVar:

NM_003672.4(CDC14A):c.1696C>T (p.Arg566Ter)

Gene: CDC14A (cell division cycle 14A; plus strand). Cytogenetic location: 1p21.2.
Variant type: single nucleotide variant.
Coding change: c.1696C>T on transcript NM_003672.4 (MANE Select); coding-DNA position 1696, C replaced by T.
Protein change: p.Arg566Ter; replaces arginine 566 with a stop codon.
Molecular consequence: nonsense.
Genome position (GRCh38, 1-based): chr1:100,499,203, C>T. VCF-style: chr1-100499203-C-T. GRCh37 (hg19) VCF-style: chr1-100964759-C-T.
Other names: c.1696C>T, p.Arg566Ter (NM_001319210.2, NM_033312.3); c.1522C>T, p.Arg508Ter (NM_001319211.2); c.817C>T, p.Arg273Ter (NM_001319212.2); short protein forms R508*, R566*, R273*.
Identifiers: ClinVar variation 5007793 (VCV005007793.2), dbSNP rs376231837.
Genomic context (GRCh38, chr1:100,499,203, plus strand): 5'-AACCTGAACAGCCCCCCAGGCCCCCACAGCGCCAAGACAGAGGAGCACACCACCATCCTC[C>T]GACCCTCCTACACCGGGCTTTCTTCTTCTTCAGCGAGATTCCTGAGCCGTTCTATCCCTG-3'

ClinVar aggregate classification (germline): Likely pathogenic (1 of 4 stars; one submission).

Conditions:
Autosomal recessive nonsyndromic hearing loss 32. Also called: Deafness, autosomal recessive 32; HEARING IMPAIRMENT INFERTILE MALE SYNDROME; Deafness, autosomal recessive 105. Identifiers: Orphanet 90636, MedGen C1837608, MONDO:0012091, OMIM 608653.

gnomAD v4.1: 47 of 1,614,056 alleles (0.0029%); highest among the groups gnomAD compares: African/African-American, 0.0067%; no homozygotes.

Submission:

Juno Genomics, Hangzhou Juno Genomics, Inc
Classification: Likely pathogenic for Autosomal recessive nonsyndromic hearing loss 32. Review status: criteria provided, single submitter. Criteria: ACMG Guidelines, 2015. Collection method: clinical testing. Allele origin: germline.
Comment: Absent from controls (or at extremely low frequency if recessive) in Genome Aggregation Database.;Null variant in a gene where loss of function (LOF) is a known mechanism of disease.